The following is an entry in ClinVar:

NM_004409.5(DMPK):c.1776C>T (p.Leu592=)

Genes: DM1-AS (DM1 locus antisense RNA; plus strand), DMPK (DM1 protein kinase; minus strand), LOC107075317 (origin of replication in DMPK trinucleotide repeat region; plus strand). Cytogenetic location: 19q13.32.
Variant type: single nucleotide variant.
Coding change: c.1776C>T on transcript NM_004409.5 (MANE Select); coding-DNA position 1776, C replaced by T.
Protein change: p.Leu592=; no amino-acid change (leucine 592 retained).
Molecular consequence: synonymous variant. On other transcripts: missense variant (5), 3 prime UTR variant (3).
Genome position (GRCh38, 1-based): chr19:45,770,602, G>A on the plus strand (C>T on the coding strand, the complement: DMPK is on the minus strand). VCF-style: chr19-45770602-G-A. GRCh37 (hg19) VCF-style: chr19-46273860-G-A.
Other names: c.1761C>T, p.Leu587= (NM_001081560.3); c.1757C>T, p.Ser586Phe (NM_001081562.3); c.1806C>T, p.Leu602= (NM_001081563.3); c.1854C>T, p.Leu618= (NM_001288764.2); c.1505C>T, p.Ser502Phe (NM_001288765.2); c.*31C>T (NM_001288766.2, NM_001424164.1, NM_001424168.1); c.1772C>T, p.Ser591Phe (NM_001424162.1); c.1850C>T, p.Ser617Phe (NM_001424163.1); and 3 more; short protein forms S444F, S502F, S586F, S591F, S617F.
Identifiers: ClinVar variation 2650128 (VCV002650128.24), dbSNP rs867485313, ClinGen allele CA309002617.

ClinVar aggregate classification (germline): Likely benign (1 of 4 stars; one submission).

Allele frequency attached by ClinVar (database versions not stated): gnomAD 0.00001.
gnomAD v4.1: 8 of 1,552,962 alleles (0.00052%); highest among the groups gnomAD compares: Middle Eastern, 0.033%; no homozygotes.

Submission:

CeGaT Center for Human Genetics Tuebingen
Classification: Likely benign. Last evaluated: 2022-09-01. Review status: criteria provided, single submitter. Criteria: CeGaT Center For Human Genetics Tuebingen Variant Classification Criteria Version 2. Collection method: clinical testing. Allele origin: germline. Affected: yes. Observed: 1 variant allele.
Comment: DMPK: BP4